The following is an entry in ClinVar:

NM_000179.3(MSH6):c.695A>C (p.Gln232Pro)

Gene: MSH6 (mutS homolog 6; plus strand). Cytogenetic location: 2p16.3.
Variant type: single nucleotide variant.
Coding change: c.695A>C on transcript NM_000179.3 (MANE Select); coding-DNA position 695, A replaced by C.
Protein change: p.Gln232Pro; replaces glutamine 232 with proline.
Molecular consequence: missense variant. On other transcripts: 5 prime UTR variant (9), non-coding transcript variant (4), intron variant (1).
Genome position (GRCh38, 1-based): chr2:47,798,678, A>C. VCF-style: chr2-47798678-A-C. GRCh37 (hg19) VCF-style: chr2-48025817-A-C.
Other names: c.305A>C, p.Gln102Pro (NM_001281492.2); c.-212A>C (NM_001281493.2, NM_001281494.2, NM_001406811.1 and 6 more transcripts); c.791A>C, p.Gln264Pro (NM_001406795.1, NM_001406802.1); c.695A>C, p.Gln232Pro (NM_001406796.1, NM_001406798.1, NM_001406800.1 and 4 more transcripts); c.398A>C, p.Gln133Pro (NM_001406797.1, NM_001406801.1, NM_001406805.1 and 10 more transcripts); c.170A>C, p.Gln57Pro (NM_001406799.1, NM_001406806.1, NM_001406807.1); c.617A>C, p.Gln206Pro (NM_001406804.1); c.701A>C, p.Gln234Pro (NM_001406813.1); and 2 more; short protein forms Q102P, Q133P, Q176P, Q206P, Q232P, Q234P, Q264P, Q57P.
Identifiers: ClinVar variation 4800190 (VCV004800190.1).

ClinVar aggregate classification (germline): Uncertain significance (1 of 4 stars; one submission).

Conditions:
Hereditary nonpolyposis colorectal neoplasms. Identifiers: MedGen C0009405, MeSH D003123.

Submission:

Labcorp Genetics (formerly Invitae), Labcorp
Classification: Uncertain significance for Hereditary nonpolyposis colorectal neoplasms. Last evaluated: 2025-03-19. Review status: criteria provided, single submitter. Criteria: Invitae Variant Classification Sherloc (09022015). Collection method: clinical testing. Allele origin: germline.
Comment: This sequence change replaces glutamine, which is neutral and polar, with proline, which is neutral and non-polar, at codon 232 of the MSH6 protein (p.Gln232Pro). This variant is not present in population databases (gnomAD no frequency). This variant has not been reported in the literature in individuals affected with MSH6-related conditions. Invitae Evidence Modeling of protein sequence and biophysical properties (such as structural, functional, and spatial information, amino acid conservation, physicochemical variation, residue mobility, and thermodynamic stability) indicates that this missense variant is not expected to disrupt MSH6 protein function with a negative predictive value of 95%. In summary, the available evidence is currently insufficient to determine the role of this variant in disease. Therefore, it has been classified as a Variant of Uncertain Significance.